The following is an entry in ClinVar:

NM_199420.4(POLQ):c.4868C>T (p.Thr1623Ile)

Gene: POLQ (DNA polymerase theta; minus strand). Cytogenetic location: 3q13.33.
Variant type: single nucleotide variant.
Coding change: c.4868C>T on transcript NM_199420.4 (MANE Select); coding-DNA position 4868, C replaced by T.
Protein change: p.Thr1623Ile; replaces threonine 1623 with isoleucine.
Molecular consequence: missense variant.
Genome position (GRCh38, 1-based): chr3:121,488,063, G>A on the plus strand (C>T on the coding strand, the complement: POLQ is on the minus strand). VCF-style: chr3-121488063-G-A. GRCh37 (hg19) VCF-style: chr3-121206910-G-A.
Other names: short protein forms T1623I.
Identifiers: ClinVar variation 3230021 (VCV003230021.1), dbSNP rs973829766, ClinGen allele CA81835348.

ClinVar aggregate classification (germline): Uncertain significance (1 of 4 stars; one submission).

Submission:

Ambry Genetics
Classification: Uncertain significance. Last evaluated: 2024-03-12. Review status: criteria provided, single submitter. Criteria: Ambry Variant Classification Scheme 2023. Collection method: clinical testing. Allele origin: germline.
Comment: The p.T1623I variant (also known as c.4868C>T), located in coding exon 16 of the POLQ gene, results from a C to T substitution at nucleotide position 4868. The threonine at codon 1623 is replaced by isoleucine, an amino acid with similar properties. This amino acid position is conserved. In addition, this alteration is predicted to be tolerated by in silico analysis. Based on the available evidence, the clinical significance of this alteration remains unclear.